The following is an entry in ClinVar:

NM_001397406.1(FDX2):c.178G>T (p.Gly60Cys)

Genes: FDX2 (ferredoxin 2; minus strand), FDX2-ZGLP1 (FDX2-ZGLP1 readthrough; minus strand), LOC130063486 (ATAC-STARR-seq lymphoblastoid silent region 10064; plus strand). Cytogenetic location: 19p13.2.
Variant type: single nucleotide variant.
Coding change: c.178G>T on transcript NM_001397406.1 (MANE Select); coding-DNA position 178, G replaced by T.
Protein change: p.Gly60Cys; replaces glycine 60 with cysteine.
Molecular consequence: missense variant.
Genome position (GRCh38, 1-based): chr19:10,315,727, C>A on the plus strand (G>T on the coding strand, the complement: FDX2 is on the minus strand). VCF-style: chr19-10315727-C-A. GRCh37 (hg19) VCF-style: chr19-10426403-C-A.
Other names: short protein forms G60C.
Identifiers: ClinVar variation 1513053 (VCV001513053.4), dbSNP rs368518750, ClinGen allele CA305208675.
Genomic context (GRCh38, chr19:10,315,727, plus strand): 5'-TGGGATGAGGAATGGGGGACTTGGCCCCCTGCACTCACACGTCCCCGGGCCGCTCCGGGC[C>A]GCCCGCGTCCTCCTCTCCAGCCGGGCGCGAGCCTGGAAAACACGGTTCGGTGAGCGGCTG-3'
Protein context (NP_001384335.1, residues 50-70): SRPAGEEDAG[Gly60Cys]PERPGDVVNV

ClinVar aggregate classification (germline): Uncertain significance (1 of 4 stars; one submission).

Allele frequency attached by ClinVar (database versions not stated): TOPMed below 0.00001.
gnomAD v4.1: 22 of 1,558,126 alleles (0.0014%); highest among the groups gnomAD compares: African/African-American, 0.015%; no homozygotes.

Submission:

Labcorp Genetics (formerly Invitae), Labcorp
Classification: Uncertain significance. Last evaluated: 2024-12-09. Review status: criteria provided, single submitter. Criteria: Invitae Variant Classification Sherloc (09022015). Collection method: clinical testing. Allele origin: germline.
Comment: This sequence change replaces glycine, which is neutral and non-polar, with cysteine, which is neutral and slightly polar, at codon 63 of the FDX2 protein (p.Gly63Cys). The frequency data for this variant in the population databases is considered unreliable, as metrics indicate poor data quality at this position in the gnomAD database. This variant has not been reported in the literature in individuals affected with FDX2-related conditions. ClinVar contains an entry for this variant (Variation ID: 1513053). Experimental studies and prediction algorithms are not available or were not evaluated, and the functional significance of this variant is currently unknown. In summary, the available evidence is currently insufficient to determine the role of this variant in disease. Therefore, it has been classified as a Variant of Uncertain Significance.